The following is an entry in ClinVar:

NM_001080517.3(SETD5):c.3006A>T (p.Gly1002=)

Gene: SETD5 (SET domain containing 5; plus strand). Cytogenetic location: 3p25.3.
Variant type: single nucleotide variant.
Coding change: c.3006A>T on transcript NM_001080517.3 (MANE Select); coding-DNA position 3006, A replaced by T.
Protein change: p.Gly1002=; no amino-acid change (glycine 1002 retained).
Molecular consequence: synonymous variant.
Genome position (GRCh38, 1-based): chr3:9,470,740, A>T. VCF-style: chr3-9470740-A-T. GRCh37 (hg19) VCF-style: chr3-9512424-A-T.
Other names: c.2712A>T, p.Gly904= (NM_001292043.2, NM_001349451.2).
Identifiers: ClinVar variation 1298335 (VCV001298335.1), dbSNP rs2125579215, ClinGen allele CA432528527.

ClinVar aggregate classification (germline): Uncertain significance (1 of 4 stars; one submission).

Conditions:
Intellectual disability-facial dysmorphism syndrome due to SETD5 haploinsufficiency (MRD23). Also called: Intellectual developmental disorder, autosomal dominant 23. Identifiers: Orphanet 404440, MedGen C3810406, MONDO:0014336, OMIM 615761.

Submission:

Breda Genetics srl
Classification: Uncertain significance for Intellectual disability-facial dysmorphism syndrome due to SETD5 haploinsufficiency. Last evaluated: 2021-02-18. Review status: criteria provided, single submitter. Criteria: ACMG Guidelines, 2015. Collection method: clinical testing. Allele origin: germline. Inheritance: Autosomal dominant inheritance. Affected: yes. Observed: 1 variant allele, 1 heterozygote.
Comment: Based on allele frequency, in-silico prediction scores and a certain overlap with the clinical phenotype, we interpreted this variant at least as of uncertain significance. The lack of one or more of the following features has discouraged further investigations: lack of a possible second hit in autosomal recessive conditions, presence of healthy controls in databases for autosomal dominant conditions, presence of unmatching cardinal clinical features in the patient or in the known gene-disease association, and/or variant type outside the known gene mutational spectrum.